The following is an entry in ClinVar:

ClinVar aggregate classification (germline): Uncertain significance. Review status: criteria provided, multiple submitters, no conflicts (2 of 4 stars). 2 submissions from 2 submitters: Uncertain significance (2). Last evaluated 2024-03-18.

Conditions:
Inborn genetic diseases. Identifiers: MedGen C0950123, MeSH D030342.

Allele frequency attached by ClinVar (database versions not stated): gnomAD exomes below 0.00001.
gnomAD v4.1: 2 of 1,533,788 alleles (0.00013%); highest among the groups gnomAD compares: Non-Finnish European, 0.00017%; no homozygotes.

Submissions (2):

Ambry Genetics
Classification: Uncertain significance for Inborn genetic diseases. Last evaluated: 2024-03-18. Review status: criteria provided, single submitter. Criteria: Ambry Variant Classification Scheme 2023. Collection method: clinical testing. Allele origin: germline.

Labcorp Genetics (formerly Invitae), Labcorp
Classification: Uncertain significance. Last evaluated: 2023-06-27. Review status: criteria provided, single submitter. Criteria: Invitae Variant Classification Sherloc (09022015). Collection method: clinical testing. Allele origin: germline.
Comment: In summary, the available evidence is currently insufficient to determine the role of this variant in disease. Therefore, it has been classified as a Variant of Uncertain Significance. Experimental studies and prediction algorithms are not available or were not evaluated, and the functional significance of this variant is currently unknown. This variant has not been reported in the literature in individuals affected with ANXA11-related conditions. This variant is not present in population databases (gnomAD no frequency). This sequence change replaces glycine, which is neutral and non-polar, with glutamic acid, which is acidic and polar, at codon 146 of the ANXA11 protein (p.Gly146Glu).

NM_145868.2(ANXA11):c.437G>A (p.Gly146Glu)

Gene: ANXA11 (annexin A11; minus strand). Cytogenetic location: 10q22.3.
Variant type: single nucleotide variant.
Coding change: c.437G>A on transcript NM_145868.2 (MANE Select); coding-DNA position 437, G replaced by A.
Protein change: p.Gly146Glu; replaces glycine 146 with glutamic acid.
Molecular consequence: missense variant.
Genome position (GRCh38, 1-based): chr10:80,169,093, C>T on the plus strand (G>A on the coding strand, the complement: ANXA11 is on the minus strand). VCF-style: chr10-80169093-C-T. GRCh37 (hg19) VCF-style: chr10-81928849-C-T.
Other names: c.437G>A (NM_001157.2); c.437G>A, p.Gly146Glu (NM_001157.3, NM_001278407.2, NM_001278408.2 and 1 more transcripts); c.338G>A, p.Gly113Glu (NM_001278409.2); short protein forms G146E, G113E.
Identifiers: ClinVar variation 2887530 (VCV002887530.4), dbSNP rs2492155132, ClinGen allele CA377368160.